The following is an entry in ClinVar:

NM_020442.6(VARS2):c.985+103T>A

Gene: VARS2 (valyl-tRNA synthetase 2, mitochondrial; plus strand). Cytogenetic location: 6p21.33.
Variant type: single nucleotide variant.
Coding change: c.985+103T>A on transcript NM_020442.6 (MANE Select); 103 bases into the intron after coding-DNA position 985, T replaced by A.
Molecular consequence: intron variant.
Genome position (GRCh38, 1-based): chr6:30,917,909, T>A. VCF-style: chr6-30917909-T-A. GRCh37 (hg19) VCF-style: chr6-30885686-T-A.
Other names: c.1075+103T>A (NM_001167734.2); c.565+103T>A (NM_001167733.3).
Identifiers: ClinVar variation 1238578 (VCV001238578.5), dbSNP rs9262289, ClinGen allele CA12186947.
Genomic context (GRCh38, chr6:30,917,909, plus strand): 5'-TTCCTGTTTTCTGAAGCCCATGTTGGGCTGCTAGGAACCCATCAGTCCATCTCTCACATG[T>A]ACCTTGGTAGTGTTCACCTCAGCGTGGGCACTTACCCAGGGTCTTCTGGGGGATGTACAA-3'

ClinVar aggregate classification (germline): Benign. Review status: criteria provided, multiple submitters, no conflicts (2 of 4 stars). 2 submissions from 2 submitters: Benign (2). Last evaluated 2024-07-31.

Allele frequency attached by ClinVar (database versions not stated): 1000 Genomes Project 30x 0.22064; 1000 Genomes Project 0.22204; TOPMed 0.26288; gnomAD 0.27868 and 0.27957; gnomAD exomes 0.33789.
gnomAD v4.1: 394,545 of 1,197,684 alleles (33%); highest among the groups gnomAD compares: Non-Finnish European, 36%; 69,004 homozygotes.

Submissions (2):

Unidad de Genómica Garrahan, Hospital de Pediatría Garrahan
Classification: Benign. Last evaluated: 2024-07-31. Review status: criteria provided, single submitter. Criteria: ACMG Guidelines, 2015. Collection method: clinical testing. Allele origin: germline. Affected: no. Observed: 26 variant alleles.
Comment: This variant is classified as Benign based on local population frequency. This variant was detected in 28% of patients studied in a panel designed for Epileptic and Developmental Encephalopathy, Progressive Myoclonus Epilepsy and Abnormal Movements and Neurodegeneration with brain iron accumulation. Number of patients: 26. Only high quality variants are reported.

GeneDx
Classification: Benign. Last evaluated: 2018-06-23. Review status: criteria provided, single submitter. Criteria: GeneDx Variant Classification Process June 2021. Collection method: clinical testing. Allele origin: germline. Affected: yes.